The following is an entry in ClinVar:

ClinVar aggregate classification (germline): Uncertain significance. Review status: criteria provided, multiple submitters, no conflicts (2 of 4 stars). 2 submissions from 2 submitters: Uncertain significance (2). Last evaluated 2024-06-19.

Conditions:
Trichothiodystrophy 2, photosensitive (TTD2). Identifiers: Orphanet 33364, MedGen C4225344, MONDO:0014615, OMIM 616390.
Xeroderma pigmentosum group B. Also called: XERODERMA PIGMENTOSUM B/COCKAYNE SYNDROME; ERCC3-Related Xeroderma Pigmentosum; XP, GROUP B; XPB/CS. Identifiers: MedGen C0268136, MONDO:0012531, OMIM 610651.

Allele frequency attached by ClinVar (database versions not stated): gnomAD 0.00003; gnomAD exomes 0.00003; ExAC 0.00006.
gnomAD v4.1: 43 of 1,613,566 alleles (0.0027%); highest among the groups gnomAD compares: East Asian, 0.0022%; no homozygotes.

Submissions (2):

Fulgent Genetics
Classification: Uncertain significance for Xeroderma pigmentosum group B; Trichothiodystrophy 2, photosensitive. Last evaluated: 2024-06-19. Review status: criteria provided, single submitter. Criteria: ACMG Guidelines, 2015. Collection method: clinical testing. Allele origin: germline.

Labcorp Genetics (formerly Invitae), Labcorp
Classification: Uncertain significance. Last evaluated: 2022-05-08. Review status: criteria provided, single submitter. Criteria: Invitae Variant Classification Sherloc (09022015). Collection method: clinical testing. Allele origin: germline.
Comment: This sequence change replaces asparagine, which is neutral and polar, with serine, which is neutral and polar, at codon 173 of the ERCC3 protein (p.Asn173Ser). This variant is present in population databases (rs775263112, gnomAD 0.04%). This variant has not been reported in the literature in individuals affected with ERCC3-related conditions. Algorithms developed to predict the effect of missense changes on protein structure and function are either unavailable or do not agree on the potential impact of this missense change (SIFT: "Deleterious"; PolyPhen-2: "Probably Damaging"; Align-GVGD: "Class C0"). In summary, the available evidence is currently insufficient to determine the role of this variant in disease. Therefore, it has been classified as a Variant of Uncertain Significance.

NM_000122.2(ERCC3):c.518A>G (p.Asn173Ser)

Gene: ERCC3 (ERCC excision repair 3, TFIIH core complex helicase subunit; minus strand). Cytogenetic location: 2q14.3.
Variant type: single nucleotide variant.
Coding change: c.518A>G on transcript NM_000122.2 (MANE Select); coding-DNA position 518, A replaced by G.
Protein change: p.Asn173Ser; replaces asparagine 173 with serine.
Molecular consequence: missense variant.
Genome position (GRCh38, 1-based): chr2:127,290,227, T>C on the plus strand (A>G on the coding strand, the complement: ERCC3 is on the minus strand). VCF-style: chr2-127290227-T-C. GRCh37 (hg19) VCF-style: chr2-128047803-T-C.
Other names: c.326A>G, p.Asn109Ser (NM_001303416.2, NM_001303418.2); short protein forms N173S, N109S.
Identifiers: ClinVar variation 1972912 (VCV001972912.3), dbSNP rs775263112, ClinGen allele CA1858530.